The following is an entry in ClinVar:

ClinVar aggregate classification (germline): Uncertain significance (1 of 4 stars; one submission).

gnomAD v4.1: 11 of 1,601,042 alleles (0.00069%); highest among the groups gnomAD compares: Non-Finnish European, 0.00093%; no homozygotes.

Submission:

Labcorp Genetics (formerly Invitae), Labcorp
Classification: Uncertain significance. Last evaluated: 2021-09-25. Review status: criteria provided, single submitter. Criteria: Invitae Variant Classification Sherloc (09022015). Collection method: clinical testing. Allele origin: germline.
Comment: This sequence change replaces valine with methionine at codon 1130 of the TRAPPC9 protein (p.Val1130Met). The valine residue is weakly conserved and there is a small physicochemical difference between valine and methionine. This variant is not present in population databases (ExAC no frequency). This variant has not been reported in the literature in individuals affected with TRAPPC9-related conditions. Algorithms developed to predict the effect of missense changes on protein structure and function are either unavailable or do not agree on the potential impact of this missense change (SIFT: "Not Available"; PolyPhen-2: "Benign"; Align-GVGD: "Not Available"). In summary, the available evidence is currently insufficient to determine the role of this variant in disease. Therefore, it has been classified as a Variant of Uncertain Significance.

NM_001160372.4(TRAPPC9):c.3094G>A (p.Val1032Met)

Gene: TRAPPC9 (trafficking protein particle complex subunit 9; minus strand). Cytogenetic location: 8q24.3.
Variant type: single nucleotide variant.
Coding change: c.3094G>A on transcript NM_001160372.4 (MANE Select); coding-DNA position 3094, G replaced by A.
Protein change: p.Val1032Met; replaces valine 1032 with methionine.
Molecular consequence: missense variant. On other transcripts: non-coding transcript variant (1).
Genome position (GRCh38, 1-based): chr8:139,732,164, C>T on the plus strand (G>A on the coding strand, the complement: TRAPPC9 is on the minus strand). VCF-style: chr8-139732164-C-T. GRCh37 (hg19) VCF-style: chr8-140744407-C-T.
Other names: c.3067G>A, p.Val1023Met (NM_001321646.2); c.3115G>A, p.Val1039Met (NM_001374682.1); c.2983G>A, p.Val995Met (NM_001374683.1); c.2950G>A, p.Val984Met (NM_001374684.1); c.3094G>A, p.Val1032Met (NM_031466.8); short protein forms V995M, V1032M, V1023M, V1039M, V984M.
Identifiers: ClinVar variation 1373625 (VCV001373625.3), dbSNP rs769543412, ClinGen allele CA187199437.
Genomic context (GRCh38, chr8:139,732,164, plus strand): 5'-GGCTCCGGTTGGTCAGCCGCACCTCCAGGCGCACGGGGTCGCCCACCTGGCAGGCCGCCA[C>T]AGCCTCGCGGTCACATGGCTGTCCGTCCACCAGCACATCTGTAAGGGACACGAGACTGTC-3'
Protein context (NP_001153844.1, residues 1022-1042): VDGQPCDREA[Val1032Met]AACQVGDPVR